The following is an entry in ClinVar:

ClinVar aggregate classification (germline): Uncertain significance (1 of 4 stars; one submission).

Allele frequency attached by ClinVar (database versions not stated): ExAC 0.00001; TOPMed 0.00001.

Submission:

Labcorp Genetics (formerly Invitae), Labcorp
Classification: Uncertain significance. Last evaluated: 2021-10-11. Review status: criteria provided, single submitter. Criteria: Invitae Variant Classification Sherloc (09022015). Collection method: clinical testing. Allele origin: germline.
Comment: This sequence change replaces threonine with alanine at codon 663 of the ADAMTS17 protein (p.Thr663Ala). The threonine residue is moderately conserved and there is a small physicochemical difference between threonine and alanine. This variant is present in population databases (rs76569625, ExAC 0.01%). This variant has not been reported in the literature in individuals affected with ADAMTS17-related conditions. Algorithms developed to predict the effect of missense changes on protein structure and function are either unavailable or do not agree on the potential impact of this missense change (SIFT: "Not Available"; PolyPhen-2: "Benign"; Align-GVGD: "Not Available"). In summary, the available evidence is currently insufficient to determine the role of this variant in disease. Therefore, it has been classified as a Variant of Uncertain Significance.

NM_139057.4(ADAMTS17):c.1987A>G (p.Thr663Ala)

Gene: ADAMTS17 (ADAM metallopeptidase with thrombospondin type 1 motif 17; minus strand). Cytogenetic location: 15q26.3.
Variant type: single nucleotide variant.
Coding change: c.1987A>G on transcript NM_139057.4 (MANE Select); coding-DNA position 1987, A replaced by G.
Protein change: p.Thr663Ala; replaces threonine 663 with alanine.
Molecular consequence: missense variant.
Genome position (GRCh38, 1-based): chr15:100,109,018, T>C on the plus strand (A>G on the coding strand, the complement: ADAMTS17 is on the minus strand). VCF-style: chr15-100109018-T-C. GRCh37 (hg19) VCF-style: chr15-100649223-T-C.
Other names: short protein forms T663A.
Identifiers: ClinVar variation 1409468 (VCV001409468.1), dbSNP rs76569625, ClinGen allele CA7757959.